The following is an entry in ClinVar:

NM_004782.4(SNAP29):c.37G>T (p.Asp13Tyr)

Gene: SNAP29 (synaptosome associated protein 29; plus strand). Cytogenetic location: 22q11.21.
Variant type: single nucleotide variant.
Coding change: c.37G>T on transcript NM_004782.4 (MANE Select); coding-DNA position 37, G replaced by T.
Protein change: p.Asp13Tyr; replaces aspartic acid 13 with tyrosine.
Molecular consequence: missense variant.
Genome position (GRCh38, 1-based): chr22:20,859,147, G>T. VCF-style: chr22-20859147-G-T. GRCh37 (hg19) VCF-style: chr22-21213435-G-T.
Other names: short protein forms D13Y.
Identifiers: ClinVar variation 1526417 (VCV001526417.3), dbSNP rs749686029, ClinGen allele CA10116986.

ClinVar aggregate classification (germline): Uncertain significance (0 of 4 stars; one submission).

Conditions:
CEDNIK syndrome. Also called: Cerebral dysgenesis, neuropathy, ichthyosis, and palmoplantar keratoderma; CEREBRAL DYSGENESIS, NEUROPATHY, ICHTHYOSIS, AND PALMOPLANTAR KERATODERMA SYNDROME. Identifiers: Orphanet 66631, MedGen C1836033, MONDO:0012290, OMIM 609528.

Allele frequency attached by ClinVar (database versions not stated): gnomAD 0.00001; ExAC 0.00002.
gnomAD v4.1: 21 of 1,607,868 alleles (0.0013%); highest among the groups gnomAD compares: Middle Eastern, 0.066%; 1 homozygote.

Submission:

Molecular Genetic Laboratory, Kuwait Medical Genetic Center
Classification: Uncertain significance for CEDNIK syndrome. Last evaluated: 2022-03-15. Review status: no assertion criteria provided. Collection method: clinical testing. Allele origin: germline. Inheritance: Autosomal recessive inheritance. Affected: yes. Observed: 1 homozygote.
Comment: The c.37G>T, p.(Asp13Tyr) in SNAP29 gene has a very low allele frequency in population databases (0.00000879). In Silico programs predicted this variant to be damaging and disease causing. Previous studies using different model systems have described SNAP29, a member of the SNAP sub-family, as essential in a number of pathways including endocytosis, exocytosis and recycling. Wesolowski et al (2012) investigated the role of SNAP29 in mast cells and demonstrate that SNAP29 is involved in phagocytosis of E. coli.

Literature cited by the submitters: PubMed 23185475; PubMed 33422265.